The following is an entry in ClinVar:

ClinVar aggregate classification (germline): Uncertain significance (1 of 4 stars; one submission).

Conditions:
Immunoglobulin-mediated membranoproliferative glomerulonephritis. Also called: NEPHROTIC SYNDROME, TYPE 7, WITH MEMBRANOPROLIFERATIVE GLOMERULONEPHRITIS; Nephrotic syndrome, type 7. Identifiers: Orphanet 329903, MedGen C3554330, MONDO:0014005, OMIM 615008.
Mesangiocapillary glomerulonephritis. Also called: Membranoproliferative glomerulonephritis. Identifiers: MedGen C0017662, MONDO:0002461, HP:0000793.

Submission:

Genomenon, Inc
Classification: Uncertain significance for Primary membranoproliferative glomerulonephritis. Last evaluated: 2025-09-26. Review status: criteria provided, single submitter. Criteria: Genomenon Sequence Variant Interpretation Standards - Updated. Collection method: curation. Allele origin: germline. Affected: no.
Comment: DGKE p.Thr265Pro (c.793A>C) is a missense variant that changes the amino acid at residue 265 from Threonine to Proline. This variant has been reported in the published literature (PMID:28056875). It is absent or not present at a significant frequency in gnomAD. In silico models agree that this variant is not damaging. In conclusion, we classify DGKE p.Thr265Pro (c.793A>C) as a variant of uncertain significance.

Literature cited by the submitters: PubMed 28056875.

NM_003647.3(DGKE):c.793A>C (p.Thr265Pro)

Gene: DGKE (diacylglycerol kinase epsilon; plus strand). Cytogenetic location: 17q22.
Variant type: single nucleotide variant.
Coding change: c.793A>C on transcript NM_003647.3 (MANE Select); coding-DNA position 793, A replaced by C.
Protein change: p.Thr265Pro; replaces threonine 265 with proline.
Molecular consequence: missense variant.
Genome position (GRCh38, 1-based): chr17:56,847,970, A>C. VCF-style: chr17-56847970-A-C. GRCh37 (hg19) VCF-style: chr17-54925331-A-C.
Other names: short protein forms T265P.
Identifiers: ClinVar variation 4280366 (VCV004280366.1).